The following is an entry in ClinVar:

ClinVar aggregate classification (germline): Pathogenic (1 of 4 stars; one submission).

Conditions:
Autosomal recessive nonsyndromic hearing loss 21. Identifiers: Orphanet 90636, MedGen C1863655, MONDO:0011351, OMIM 603629.

Submission:

Institute of Rare Diseases, West China Hospital, Sichuan University
Classification: Pathogenic for Autosomal recessive nonsyndromic hearing loss 21. Last evaluated: 2025-01-09. Review status: criteria provided, single submitter. Criteria: ClinGen HL ACMG Specifications v1. Collection method: research. Allele origin: germline. Affected: yes.
Comment: PVS1;PM3_Supporting;PM2_Supporting

NM_005422.4(TECTA):c.5619_5620del (p.Trp1875fs)

Genes: TBCEL-TECTA (TBCEL-TECTA readthrough; plus strand), TECTA (tectorin alpha; plus strand). Cytogenetic location: 11q23.3.
Variant type: Microsatellite.
Coding change: c.5619_5620del on transcript NM_005422.4 (MANE Select); coding-DNA positions 5619 to 5620, 2 bases deleted (AC; older notation c.5619_5620delAC).
Protein change: p.Trp1875fs; shifts the reading frame from tryptophan 1875.
Molecular consequence: frameshift variant.
Genome position (GRCh38, 1-based): chr11:121,168,086-121,168,087, AC deleted; deleting any 2 consecutive bases within chr11:121,168,082-121,168,087 gives the same sequence; the c. name uses the placement nearest the transcript's 3' end. VCF-style (leftmost placement, unchanged base first): chr11-121168081-AAC-A. GRCh37 (hg19) VCF-style: chr11-121038790-AAC-A.
Other names: c.6561_6562del, p.Trp2189fs (NM_001378761.1); short protein forms W1875fs, W2189fs.
Identifiers: ClinVar variation 3601875 (VCV003601875.1).